The following is an entry in ClinVar:

NM_012079.6(DGAT1):c.819C>G (p.Ile273Met)

Gene: DGAT1 (diacylglycerol O-acyltransferase 1; minus strand). Cytogenetic location: 8q24.3.
Variant type: single nucleotide variant.
Coding change: c.819C>G on transcript NM_012079.6 (MANE Select); coding-DNA position 819, C replaced by G.
Protein change: p.Ile273Met; replaces isoleucine 273 with methionine.
Molecular consequence: missense variant.
Genome position (GRCh38, 1-based): chr8:144,317,950, G>C on the plus strand (C>G on the coding strand, the complement: DGAT1 is on the minus strand). VCF-style: chr8-144317950-G-C. GRCh37 (hg19) VCF-style: chr8-145541613-G-C.
Other names: short protein forms I273M.
Identifiers: ClinVar variation 1916474 (VCV001916474.2), dbSNP rs146155230, ClinGen allele CA4936829.

ClinVar aggregate classification (germline): Uncertain significance (1 of 4 stars; one submission).

Allele frequency attached by ClinVar (database versions not stated): ExAC 0.00003; TOPMed 0.00005; ESP Exome Variant Server 0.00008; gnomAD 0.00008; gnomAD exomes 0.00008.
gnomAD v4.1: 112 of 1,519,378 alleles (0.0074%); highest among the groups gnomAD compares: Non-Finnish European, 0.0098%; no homozygotes.

Submission:

Labcorp Genetics (formerly Invitae), Labcorp
Classification: Uncertain significance. Last evaluated: 2022-03-11. Review status: criteria provided, single submitter. Criteria: Invitae Variant Classification Sherloc (09022015). Collection method: clinical testing. Allele origin: germline.
Comment: This sequence change replaces isoleucine, which is neutral and non-polar, with methionine, which is neutral and non-polar, at codon 273 of the DGAT1 protein (p.Ile273Met). This variant is present in population databases (rs146155230, gnomAD 0.01%). This variant has not been reported in the literature in individuals affected with DGAT1-related conditions. Algorithms developed to predict the effect of missense changes on protein structure and function are either unavailable or do not agree on the potential impact of this missense change (SIFT: "Deleterious"; PolyPhen-2: "Probably Damaging"; Align-GVGD: "Class C0"). In summary, the available evidence is currently insufficient to determine the role of this variant in disease. Therefore, it has been classified as a Variant of Uncertain Significance.